The following is an entry in ClinVar:

NM_001482.3(GATM):c.275C>T (p.Thr92Ile)

Gene: GATM (glycine amidinotransferase; minus strand). Cytogenetic location: 15q21.1.
Variant type: single nucleotide variant.
Coding change: c.275C>T on transcript NM_001482.3 (MANE Select); coding-DNA position 275, C replaced by T.
Protein change: p.Thr92Ile; replaces threonine 92 with isoleucine.
Molecular consequence: missense variant. On other transcripts: 5 prime UTR variant (1).
Genome position (GRCh38, 1-based): chr15:45,376,614, G>A on the plus strand (C>T on the coding strand, the complement: GATM is on the minus strand). VCF-style: chr15-45376614-G-A. GRCh37 (hg19) VCF-style: chr15-45668812-G-A.
Other names: c.-113C>T (NM_001321015.2); short protein forms T92I.
Identifiers: ClinVar variation 1317078 (VCV001317078.2), dbSNP rs2140657134, ClinGen allele CA392264891.
Genomic context (GRCh38, chr15:45,376,614, plus strand): 5'-GGTGAGGAGGGAGCGCACTTTCAGACATGTGAATAGCCTTCCTTTACCTTCACCTCGATG[G>A]TGAACGGTGGAACACAGGCGTTTTCTGCTCTGCCCACTATCACTTCCTCTAAGGGGTCCC-3'
Protein context (NP_001473.1, residues 82-102): RAENACVPPF[Thr92Ile]IEVKANTYEK

ClinVar aggregate classification (germline): Uncertain significance (1 of 4 stars; one submission).

Submission:

GeneDx
Classification: Uncertain significance. Last evaluated: 2021-04-12. Review status: criteria provided, single submitter. Criteria: GeneDx Variant Classification Process June 2021. Collection method: clinical testing. Allele origin: germline. Affected: yes.
Comment: Not observed in large population cohorts (Lek et al., 2016); In silico analysis supports that this missense variant does not alter protein structure/function; Has not been previously published as pathogenic or benign to our knowledge